The following is an entry in ClinVar:

NM_032383.5(HPS3):c.1330del (p.His444fs)

Gene: HPS3 (HPS3 biogenesis of lysosomal organelles complex 2 subunit 1; plus strand). Cytogenetic location: 3q24.
Variant type: Deletion.
Coding change: c.1330del on transcript NM_032383.5 (MANE Select); coding-DNA position 1330, one base deleted (C; older notation c.1330delC).
Protein change: p.His444fs; shifts the reading frame from histidine 444.
Molecular consequence: frameshift variant.
Genome position (GRCh38, 1-based): chr3:149,153,578, C deleted; the last of 2 consecutive C bases (chr3:149,153,577-149,153,578); deleting either gives the same sequence. VCF-style (leftmost placement, unchanged base first): chr3-149153576-AC-A. GRCh37 (hg19) VCF-style: chr3-148871363-AC-A.
Other names: c.835del, p.His279fs (NM_001308258.2); short protein forms H279fs, H444fs.
Identifiers: ClinVar variation 2697338 (VCV002697338.4), dbSNP rs2473099536, ClinGen allele CA2697556917.

ClinVar aggregate classification (germline): Pathogenic/Likely pathogenic. Review status: criteria provided, multiple submitters, no conflicts (2 of 4 stars). 2 submissions from 2 submitters: Pathogenic (1); Likely pathogenic (1). Last evaluated 2024-06-01.

Conditions:
Hermansky-Pudlak syndrome 3 (HPS3). Identifiers: Orphanet 231512, Orphanet 79430, MedGen C3888001, MONDO:0013555, OMIM 614072.

Submissions (2):

Fulgent Genetics
Classification: Likely pathogenic for Hermansky-Pudlak syndrome 3. Last evaluated: 2024-06-01. Review status: criteria provided, single submitter. Criteria: ACMG Guidelines, 2015. Collection method: clinical testing. Allele origin: germline.

Labcorp Genetics (formerly Invitae), Labcorp
Classification: Pathogenic. Last evaluated: 2023-11-19. Review status: criteria provided, single submitter. Criteria: Invitae Variant Classification Sherloc (09022015). Collection method: clinical testing. Allele origin: germline.
Comment: This sequence change creates a premature translational stop signal (p.His444Thrfs*5) in the HPS3 gene. It is expected to result in an absent or disrupted protein product. Loss-of-function variants in HPS3 are known to be pathogenic (PMID: 11590544). This variant is not present in population databases (gnomAD no frequency). This variant has not been reported in the literature in individuals affected with HPS3-related conditions. Algorithms developed to predict the effect of sequence changes on RNA splicing suggest that this variant may disrupt the consensus splice site. For these reasons, this variant has been classified as Pathogenic.

Literature cited by the submitters: PubMed 11590544 (cited by Labcorp Genetics (formerly Invitae), Labcorp).